The following is an entry in ClinVar:

NC_000017.11:g.47296304_47307500del

Genes: ITGB3 (integrin subunit beta 3; plus strand), EFCAB13-DT (EFCAB13 divergent transcript; minus strand). Cytogenetic location: 17q21.32.
Variant type: Deletion.
Other names: ITGB3, 11.2-KB DEL.
Identifiers: ClinVar variation 1879066 (VCV001879066.1).

ClinVar aggregate classification (germline): Pathogenic (3 of 4 stars; one submission).

Conditions:
Glanzmann thrombasthenia. Also called: PLATELET GLYCOPROTEIN IIb-IIIa DEFICIENCY; BLEEDING DISORDER, PLATELET-TYPE, 2; THROMBASTHENIA OF GLANZMANN AND NAEGELI; Thrombasthenia; Glanzmann's thrombasthenia. Identifiers: Orphanet 849, MedGen C0040015, MONDO:0100326.

Submission:

ClinGen Platelet Disorders Variant Curation Expert Panel, ClinGen
Classification: Pathogenic for Glanzmann thrombasthenia. Last evaluated: 2022-04-07. Review status: reviewed by expert panel. Criteria: ClinGen Platelet ACMG Specifications v2-1. Collection method: curation. Allele origin: germline. Inheritance: Autosomal recessive inheritance.
Comment: The 11.2kb deletion in ITGB3 (NC_000017.11:g.47296303_47307499del; NM_000212.3:c.1691-3005_2162del) begins in intron 10, removing the splice acceptor site in intron 10 through c.2162 in exon 14, leading to the skipping of exons 11-14, which is 26% of the protein (as confirmed in patient cDNA). This is predicted to cause a frameshift with a premature stop codon in exon 15/15 and truncation of the last 2% of the protein. Affected exons 14 and 15 include the transmembrane and cytoplasmic domains of β3 which are critical regions for protein function (PVS1_strong). This variant is absent from gnomAD SVs v2.1 (PM2_Supporting). At least 1 homozygote and 2 compound heterozygotes, both with the maternal pathogenic c.2031_2041del and paternal 11.2 Kb deletion (c.1691-3005_2162del) variants have been identified in PMID: 9160670 (PM3_strong). Families 1-3 of PMID: 9160670 each have two affected individuals with consistent biallelic variants (PP1). At least one patient (Patient 4 in PMID: 30078718) with this variant displayed mucocutaneous bleeding and impaired aggregation with all agonists except ristocetin, which is highly specific for Glanzmann thrombasthenia (PP4_moderate). Additionally, αIIbβ3 surface expression was absent as measured by flow cytometry. In summary, this variant meets the criteria to be classified as Pathogenic for autosomal recessive Glanzmann Thrombasthenia based on the ACMG/AMP criteria applied, as specified by the ClinGen PD VCEP: PVS1_strong, PP1, PP4_moderate, PM2_supporting, PM3_strong. (VCEP specifications version 2; date of approval 01/18/2022).